The following is an entry in ClinVar:

ClinVar aggregate classification (germline): Uncertain significance (1 of 4 stars; one submission).

Submission:

GeneDx
Classification: Uncertain significance. Last evaluated: 2023-05-18. Review status: criteria provided, single submitter. Criteria: GeneDx Variant Classification Process June 2021. Collection method: clinical testing. Allele origin: germline. Affected: yes.
Comment: Not observed at significant frequency in large population cohorts (gnomAD); In silico analysis supports that this missense variant has a deleterious effect on protein structure/function; Has not been previously published as pathogenic or benign to our knowledge

NM_003097.6(SNRPN):c.385G>T (p.Gly129Cys)

Genes: SNHG14 (small nucleolar RNA host gene 14; plus strand), SNRPN (small nuclear ribonucleoprotein polypeptide N; plus strand), SNURF (SNRPN upstream open reading frame; plus strand). Cytogenetic location: 15q11.2.
Variant type: single nucleotide variant.
Coding change: c.385G>T on transcript NM_003097.6 (MANE Select); coding-DNA position 385, G replaced by T.
Protein change: p.Gly129Cys; replaces glycine 129 with cysteine.
Molecular consequence: missense variant. On other transcripts: 3 prime UTR variant (1), non-coding transcript variant (1).
Genome position (GRCh38, 1-based): chr15:24,976,994, G>T. VCF-style: chr15-24976994-G-T. GRCh37 (hg19) VCF-style: chr15-25222141-G-T.
Other names: c.385G>T, p.Gly129Cys (NM_001400689.1, NM_001400690.1, NM_001400691.1 and 99 more transcripts); c.361G>T, p.Gly121Cys (NM_001400767.1, NM_001378257.1, NM_001378256.1); c.121G>T, p.Gly41Cys (NM_001400768.1); c.*573G>T (NM_005678.5); c.397G>T, p.Gly133Cys (NM_001378251.1, NM_001378252.1, NM_001378253.1 and 2 more transcripts); short protein forms G121C, G129C, G133C, G41C.
Identifiers: ClinVar variation 2662357 (VCV002662357.1), dbSNP rs2153705175, ClinGen allele CA391341658.
Genomic context (GRCh38, chr15:24,976,994, plus strand): 5'-GCAGCTGGTAGAGGAGTACCAGCTGGTGTGCCAATTCCCCAGGCCCCTGCTGGATTGGCA[G>T]GCCCTGTCCGAGGAGTTGGGGGACCATCCCAGCAGGTGAGGAACCAGCAGAGGGTTTTAT-3'
Protein context (NP_003088.1, residues 119-139): PIPQAPAGLA[Gly129Cys]PVRGVGGPSQ